The following is an entry in ClinVar:

NM_000026.4(ADSL):c.793-49A>C

Gene: ADSL (adenylosuccinate lyase; plus strand). Cytogenetic location: 22q13.1.
Variant type: single nucleotide variant.
Coding change: c.793-49A>C on transcript NM_000026.4 (MANE Select); 49 bases into the intron before coding-DNA position 793, A replaced by C.
Molecular consequence: intron variant.
Genome position (GRCh38, 1-based): chr22:40,361,224, A>C. VCF-style: chr22-40361224-A-C. GRCh37 (hg19) VCF-style: chr22-40757228-A-C.
Other names: c.793-49A>C (NM_001363840.3, NM_001123378.3); c.601-49A>C (NM_001317923.2).
Identifiers: ClinVar variation 670882 (VCV000670882.2), dbSNP rs8135371, ClinGen allele CA10247823.

ClinVar aggregate classification (germline): Benign. Review status: criteria provided, multiple submitters, no conflicts (2 of 4 stars). 2 submissions from 2 submitters: Benign (2). Last evaluated 2018-06-14.

Allele frequency attached by ClinVar (database versions not stated): TOPMed 0.11512; 1000 Genomes Project 30x 0.11914; 1000 Genomes Project 0.12141; ESP Exome Variant Server 0.12417; gnomAD 0.12889 and 0.12993; gnomAD exomes 0.13387 and 0.14203; ExAC 0.13503.
gnomAD v4.1: 218,917 of 1,559,676 alleles (14%); highest among the groups gnomAD compares: South Asian, 17%; 16,243 homozygotes.

Submissions (2):

GeneDx
Classification: Benign. Last evaluated: 2018-06-14. Review status: criteria provided, single submitter. Criteria: GeneDx Variant Classification (06012015). Collection method: clinical testing. Allele origin: germline. Affected: yes.
Comment: This variant is considered likely benign or benign based on one or more of the following criteria: it is a conservative change, it occurs at a poorly conserved position in the protein, it is predicted to be benign by multiple in silico algorithms, and/or has population frequency not consistent with disease.

Breakthrough Genomics
Classification: Benign. Review status: criteria provided, single submitter. Criteria: ACMG Guidelines, 2015. Collection method: not provided. Allele origin: germline. Inheritance: Autosomal recessive inheritance. Affected: yes.